The following is an entry in ClinVar:

NM_058195.4(CDKN2A):c.149dup (p.Arg51fs)

Gene: CDKN2A (cyclin dependent kinase inhibitor 2A; minus strand). Cytogenetic location: 9p21.3.
Variant type: Duplication.
Coding change: c.149dup on transcript NM_058195.4 (MANE Plus Clinical); coding-DNA position 149, one base duplicated (T; older notation c.149dupT).
Protein change: p.Arg51fs; shifts the reading frame from arginine 51.
Molecular consequence: frameshift variant. On other transcripts: intron variant (1).
Genome position (GRCh38, 1-based): chr9:21,994,183, A duplicated on the plus strand (T on the coding strand, the reverse complement: CDKN2A is on the minus strand). VCF-style (leftmost placement, unchanged base first): chr9-21994182-C-CA. GRCh37 (hg19) VCF-style: chr9-21994181-C-CA.
Other names: c.149dupT (NM_058195.3); c.-4+638dup (NM_001363763.2); short protein forms R51fs.
Identifiers: ClinVar variation 3228938 (VCV003228938.1), dbSNP rs1820528254, ClinGen allele CA1839181426.

ClinVar aggregate classification (germline): Uncertain significance (1 of 4 stars; one submission).

Conditions:
Hereditary cancer-predisposing syndrome. Also called: Tumor predisposition; Hereditary Cancer Syndrome; Hereditary neoplastic syndrome; Neoplastic Syndromes, Hereditary. Identifiers: Orphanet 140162, MedGen C0027672, MeSH D009386, MONDO:0015356.

Submission:

Ambry Genetics
Classification: Uncertain significance for Hereditary cancer-predisposing syndrome. Last evaluated: 2023-10-31. Review status: criteria provided, single submitter. Criteria: Ambry Variant Classification Scheme 2023. Collection method: clinical testing. Allele origin: germline.
Comment: The c.149dupT variant, located in coding exon 1 of the CDKN2A (p14ARF) gene, results from a duplication of T at nucleotide position 149, causing a translational frameshift with a predicted alternate stop codon (p.R51Efs*12). This alteration is expected to result in protein truncation or nonsense-mediated mRNA decay. However, loss of function has not been established as a mechanism of disease for the p14 isoform of CDKN2A. Since supporting evidence is limited at this time, the clinical significance of this alteration remains unclear.